The following is an entry in ClinVar:

NM_003126.4(SPTA1):c.5281G>T (p.Glu1761Ter)

Gene: SPTA1 (spectrin alpha, erythrocytic 1; minus strand). Cytogenetic location: 1q23.1.
Variant type: single nucleotide variant.
Coding change: c.5281G>T on transcript NM_003126.4 (MANE Select); coding-DNA position 5281, G replaced by T.
Protein change: p.Glu1761Ter; replaces glutamic acid 1761 with a stop codon.
Molecular consequence: nonsense.
Genome position (GRCh38, 1-based): chr1:158,636,670, C>A on the plus strand (G>T on the coding strand, the complement: SPTA1 is on the minus strand). VCF-style: chr1-158636670-C-A. GRCh37 (hg19) VCF-style: chr1-158606460-C-A.
Other names: short protein forms E1761*.
Identifiers: ClinVar variation 2703959 (VCV002703959.4), dbSNP rs753849540, ClinGen allele CA1182366.

ClinVar aggregate classification (germline): Pathogenic/Likely pathogenic. Review status: criteria provided, multiple submitters, no conflicts (2 of 4 stars). 2 submissions from 2 submitters: Pathogenic (1); Likely pathogenic (1). Last evaluated 2024-02-06.

Allele frequency attached by ClinVar (database versions not stated): gnomAD exomes below 0.00001; ExAC 0.00001.
gnomAD v4.1: 4 of 1,614,068 alleles (0.00025%); highest among the groups gnomAD compares: Non-Finnish European, 0.00034%; no homozygotes.

Submissions (2):

Revvity Omics, Revvity
Classification: Likely pathogenic. Last evaluated: 2024-02-06. Review status: criteria provided, single submitter. Criteria: ACMG Guidelines, 2015. Collection method: clinical testing. Allele origin: germline.

Labcorp Genetics (formerly Invitae), Labcorp
Classification: Pathogenic. Last evaluated: 2023-12-18. Review status: criteria provided, single submitter. Criteria: Invitae Variant Classification Sherloc (09022015). Collection method: clinical testing. Allele origin: germline.
Comment: This sequence change creates a premature translational stop signal (p.Glu1761*) in the SPTA1 gene. It is expected to result in an absent or disrupted protein product. Loss-of-function variants in SPTA1 are known to be pathogenic (PMID: 9192783, 18815189, 31333484, 31723846, 32266426). The frequency data for this variant in the population databases is considered unreliable, as metrics indicate poor data quality at this position in the gnomAD database. This variant has not been reported in the literature in individuals affected with SPTA1-related conditions. For these reasons, this variant has been classified as Pathogenic.

Literature cited by the submitters: PubMed 9192783 (cited by Labcorp Genetics (formerly Invitae), Labcorp); PubMed 18815189 (cited by Labcorp Genetics (formerly Invitae), Labcorp); PubMed 31333484 (cited by Labcorp Genetics (formerly Invitae), Labcorp); PubMed 31723846 (cited by Labcorp Genetics (formerly Invitae), Labcorp); PubMed 32266426 (cited by Labcorp Genetics (formerly Invitae), Labcorp).